The following is an entry in ClinVar:

NM_001457.4(FLNB):c.1379G>A (p.Arg460Gln)

Gene: FLNB (filamin B; plus strand). Cytogenetic location: 3p14.3.
Variant type: single nucleotide variant.
Coding change: c.1379G>A on transcript NM_001457.4 (MANE Select); coding-DNA position 1379, G replaced by A.
Protein change: p.Arg460Gln; replaces arginine 460 with glutamine.
Molecular consequence: missense variant.
Genome position (GRCh38, 1-based): chr3:58,102,236, G>A. VCF-style: chr3-58102236-G-A. GRCh37 (hg19) VCF-style: chr3-58087963-G-A.
Other names: c.1379G>A, p.Arg460Gln (NM_001164317.2, NM_001164318.2, NM_001164319.2); short protein forms R460Q.
Identifiers: ClinVar variation 3606829 (VCV003606829.2).

ClinVar aggregate classification (germline): Uncertain significance (1 of 4 stars; one submission).

gnomAD v4.1: 7 of 1,614,210 alleles (0.00043%); highest among the groups gnomAD compares: Non-Finnish European, 0.00059%; no homozygotes.

Submission:

Labcorp Genetics (formerly Invitae), Labcorp
Classification: Uncertain significance. Last evaluated: 2024-11-11. Review status: criteria provided, single submitter. Criteria: Invitae Variant Classification Sherloc (09022015). Collection method: clinical testing. Allele origin: germline.
Comment: This sequence change replaces arginine, which is basic and polar, with glutamine, which is neutral and polar, at codon 460 of the FLNB protein (p.Arg460Gln). This variant is present in population databases (no rsID available, gnomAD 0.003%). This variant has not been reported in the literature in individuals affected with FLNB-related conditions. Invitae Evidence Modeling of protein sequence and biophysical properties (such as structural, functional, and spatial information, amino acid conservation, physicochemical variation, residue mobility, and thermodynamic stability) indicates that this missense variant is not expected to disrupt FLNB protein function with a negative predictive value of 80%. In summary, the available evidence is currently insufficient to determine the role of this variant in disease. Therefore, it has been classified as a Variant of Uncertain Significance.